The following is an entry in ClinVar:

NM_000261.2(MYOC):c.1447G>T (p.Glu483Ter)

Gene: MYOC (myocilin; minus strand). Cytogenetic location: 1q24.3.
Variant type: single nucleotide variant.
Coding change: c.1447G>T on transcript NM_000261.2 (MANE Select); coding-DNA position 1447, G replaced by T.
Protein change: p.Glu483Ter; replaces glutamic acid 483 with a stop codon.
Molecular consequence: nonsense.
Genome position (GRCh38, 1-based): chr1:171,635,993, C>A on the plus strand (G>T on the coding strand, the complement: MYOC is on the minus strand). VCF-style: chr1-171635993-C-A. GRCh37 (hg19) VCF-style: chr1-171605133-C-A.
Other names: NM_000261.2:c.1447G>T; short protein forms E483*.
Identifiers: ClinVar variation 2498107 (VCV002498107.2), dbSNP rs2527838041, ClinGen allele CA343723116.
Genomic context (GRCh38, chr1:171,635,993, plus strand): 5'-TGGAGAGCTTGATGTCATAAGTGACCATGTTCAAGTTGTCCCAGGCAAAGAGCTTCTTCT[C>A]CAGGGGGTTGTAGTCAATCATGCTGCTGTACTTATAGCGGTTCTTGAATGGGATGGTCAG-3'

ClinVar aggregate classification (germline): Uncertain significance (3 of 4 stars; one submission).

Conditions:
Open-angle glaucoma. Identifiers: MedGen C0017612, MONDO:0005338, HP:0012108.

Submission:

ClinGen Glaucoma Variant Curation Expert Panel
Classification: Uncertain significance for Open-angle glaucoma. Last evaluated: 2026-02-04. Review status: reviewed by expert panel. Criteria: ClinGen Glaucoma ACMG Specifications V2.0.0 Approved. Collection method: curation. Allele origin: germline. Inheritance: Autosomal dominant inheritance.
Comment: The c.1447G>T variant in MYOC is predicted to cause a change in the length of the protein due to the insertion of a terminating codon instead of the usual Glutamic acid at amino acid 483 (p.Glu483Ter). This variant is predicted to cause a deletion of < 10% of the protein within the conserved olfactomedin domain, meeting PM4_Supporting. PVS1 did not apply, as the disease mechanism for MYOC variants associated with primary open angle glaucoma is not loss-of-function. This variant was not found in any genetic ancestry group of gnomAD (v4.1.0), meeting the ≤ 0.0001 threshold set for PM2_Supporting in a genetic ancestry group of at least 10,000 alleles. There was no computational or functional evidence predicting a damaging or benign impact of this variant on MYOC function. Only 1 proband with primary open angle glaucoma had been reported (PMID: 10196380), not meeting the ≥ 2 probands threshold required to meet PS4_Supporting. In summary, this variant met the criteria to receive a score of 2 and to be classified as a variant of uncertain significance (uncertain significance classification range -1 to 5, adapted from PMID: 32720330) for primary open angle glaucoma based on the ACMG/AMP criteria met, as specified by the ClinGen Glaucoma VCEP (v2.0.0, 5 Dec 2024): PM2_Supporting, PM4_Supporting.